The following is an entry in ClinVar:

ClinVar aggregate classification (germline): Uncertain significance (1 of 4 stars; one submission).

Conditions:
Cerebral cavernous malformation (CCM). Also called: Cerebral cavernous hemangioma (type); Cavernous Hemangioma of Brain; CAVERNOUS ANGIOMA, FAMILIAL; CAVERNOUS ANGIOMATOUS MALFORMATIONS; CEREBRAL CAPILLARY MALFORMATIONS; Cerebral cavernous malformations. Identifiers: Orphanet 221061, MedGen C2919945, MONDO:0000820, OMIM 116860, HP:0033522.

Allele frequency attached by ClinVar (database versions not stated): gnomAD exomes below 0.00001.
gnomAD v4.1: 1 of 1,611,078 alleles (0.000062%); highest among the groups gnomAD compares: Non-Finnish European, 0.000085%; no homozygotes.

Submission:

Labcorp Genetics (formerly Invitae), Labcorp
Classification: Uncertain significance for Cerebral cavernous malformation. Last evaluated: 2023-10-03. Review status: criteria provided, single submitter. Criteria: Invitae Variant Classification Sherloc (09022015). Collection method: clinical testing. Allele origin: germline.
Comment: This sequence change replaces glutamine, which is neutral and polar, with glutamic acid, which is acidic and polar, at codon 573 of the KRIT1 protein (p.Gln573Glu). This variant is not present in population databases (gnomAD no frequency). This variant has not been reported in the literature in individuals affected with KRIT1-related conditions. Advanced modeling of protein sequence and biophysical properties (such as structural, functional, and spatial information, amino acid conservation, physicochemical variation, residue mobility, and thermodynamic stability) performed at Invitae indicates that this missense variant is not expected to disrupt KRIT1 protein function. In summary, the available evidence is currently insufficient to determine the role of this variant in disease. Therefore, it has been classified as a Variant of Uncertain Significance.

NM_194454.3(KRIT1):c.1717C>G (p.Gln573Glu)

Gene: KRIT1 (KRIT1 ankyrin repeat containing; minus strand). Cytogenetic location: 7q21.2.
Variant type: single nucleotide variant.
Coding change: c.1717C>G on transcript NM_194454.3 (MANE Select); coding-DNA position 1717, C replaced by G.
Protein change: p.Gln573Glu; replaces glutamine 573 with glutamic acid.
Molecular consequence: missense variant.
Genome position (GRCh38, 1-based): chr7:92,214,624, G>C on the plus strand (C>G on the coding strand, the complement: KRIT1 is on the minus strand). VCF-style: chr7-92214624-G-C. GRCh37 (hg19) VCF-style: chr7-91843938-G-C.
Other names: c.1573C>G, p.Gln525Glu (NM_001013406.2, NM_001350669.1, NM_001350670.1); c.1003C>G, p.Gln335Glu (NM_001350671.1); c.1717C>G, p.Gln573Glu (NM_001350672.1, NM_001350673.1, NM_001350674.1 and 26 more transcripts); short protein forms Q525E, Q573E, Q335E.
Identifiers: ClinVar variation 2695992 (VCV002695992.3), dbSNP rs2535725416, ClinGen allele CA368141634.